The following is an entry in ClinVar:

NM_016169.4(SUFU):c.137C>G (p.Pro46Arg)

Gene: SUFU (SUFU negative regulator of hedgehog signaling; plus strand). Cytogenetic location: 10q24.32.
Variant type: single nucleotide variant.
Coding change: c.137C>G on transcript NM_016169.4 (MANE Select); coding-DNA position 137, C replaced by G.
Protein change: p.Pro46Arg; replaces proline 46 with arginine.
Molecular consequence: missense variant.
Genome position (GRCh38, 1-based): chr10:102,504,289, C>G. VCF-style: chr10-102504289-C-G. GRCh37 (hg19) VCF-style: chr10-104264046-C-G.
Other names: c.137C>G, p.Pro46Arg (NM_001178133.2); short protein forms P46R.
Identifiers: ClinVar variation 2180129 (VCV002180129.6), dbSNP rs2135598488, ClinGen allele CA377886597.

ClinVar aggregate classification (germline): Uncertain significance. Review status: criteria provided, multiple submitters, no conflicts (2 of 4 stars). 3 submissions from 3 submitters: Uncertain significance (3). Last evaluated 2026-01-17.

Conditions:
Gorlin syndrome. Also called: Nevoid Basal Cell Carcinoma Syndrome; Basal cell nevus syndrome. Identifiers: Orphanet 377, MedGen C0004779, MONDO:0007187.
Medulloblastoma (MDB). Also called: Medulloblastoma, somatic; MEDULLOBLASTOMA PREDISPOSITION SYNDROME. Identifiers: Orphanet 616, MedGen C0025149, MeSH D008527, MONDO:0007959, OMIM 155255, HP:0002885.
Hereditary cancer-predisposing syndrome. Also called: Hereditary neoplastic syndrome; Neoplastic Syndromes, Hereditary; Tumor predisposition; Hereditary Cancer Syndrome. Identifiers: Orphanet 140162, MedGen C0027672, MeSH D009386, MONDO:0015356.
Familial meningioma. Also called: Meningioma, familial, susceptibility to. Identifiers: Orphanet 263662, MedGen C3551915, MONDO:0011789, OMIM 607174.

Submissions (3):

Ambry Genetics
Classification: Uncertain significance for Hereditary cancer-predisposing syndrome. Last evaluated: 2026-01-17. Review status: criteria provided, single submitter. Criteria: Ambry Variant Classification Scheme 2023. Collection method: clinical testing. Allele origin: germline.
Comment: The p.P46R variant (also known as c.137C>G), located in coding exon 1 of the SUFU gene, results from a C to G substitution at nucleotide position 137. The proline at codon 46 is replaced by arginine, an amino acid with dissimilar properties. This amino acid position is conserved. In addition, this alteration is predicted to be deleterious by in silico analysis. Based on the available evidence, the clinical significance of this variant remains unclear.

Baylor Genetics
Classification: Uncertain significance for Familial meningioma. Last evaluated: 2023-10-24. Review status: criteria provided, single submitter. Criteria: ACMG Guidelines, 2015. Collection method: clinical testing. Allele origin: unknown.

Labcorp Genetics (formerly Invitae), Labcorp
Classification: Uncertain significance for Gorlin syndrome; Medulloblastoma. Last evaluated: 2022-07-31. Review status: criteria provided, single submitter. Criteria: Invitae Variant Classification Sherloc (09022015). Collection method: clinical testing. Allele origin: germline.
Comment: In summary, the available evidence is currently insufficient to determine the role of this variant in disease. Therefore, it has been classified as a Variant of Uncertain Significance. Algorithms developed to predict the effect of missense changes on protein structure and function are either unavailable or do not agree on the potential impact of this missense change (SIFT: "Deleterious"; PolyPhen-2: "Possibly Damaging"; Align-GVGD: "Class C0"). This variant has not been reported in the literature in individuals affected with SUFU-related conditions. This variant is not present in population databases (gnomAD no frequency). This sequence change replaces proline, which is neutral and non-polar, with arginine, which is basic and polar, at codon 46 of the SUFU protein (p.Pro46Arg).